The following is an entry in ClinVar:

ClinVar aggregate classification (germline): Uncertain significance (1 of 4 stars; one submission).

gnomAD v4.1: 16 of 1,601,784 alleles (0.001%); highest among the groups gnomAD compares: Non-Finnish European, 0.0014%; no homozygotes.

Submission:

Ambry Genetics
Classification: Uncertain significance. Last evaluated: 2026-06-24. Review status: criteria provided, single submitter. Criteria: Ambry Variant Classification Scheme 2023. Collection method: clinical testing. Allele origin: germline.
Comment: The p.A1503V variant (also known as c.4508C>T), located in coding exon 19 of the WNK2 gene, results from a C to T substitution at nucleotide position 4508. The alanine at codon 1503 is replaced by valine, an amino acid with similar properties. This amino acid position is conserved. In addition, this alteration is predicted to be tolerated by in silico analysis. Based on the available evidence, the clinical significance of this variant remains unclear.

NM_006648.4(WNK2):c.4508C>T (p.Ala1503Val)

Gene: WNK2 (WNK lysine deficient protein kinase 2; plus strand). Cytogenetic location: 9q22.31.
Variant type: single nucleotide variant.
Coding change: c.4508C>T on transcript NM_006648.4 (MANE Select); coding-DNA position 4508, C replaced by T.
Protein change: p.Ala1503Val; replaces alanine 1503 with valine.
Molecular consequence: missense variant.
Genome position (GRCh38, 1-based): chr9:93,289,262, C>T. VCF-style: chr9-93289262-C-T. GRCh37 (hg19) VCF-style: chr9-96051544-C-T.
Other names: c.4619C>T, p.Ala1540Val (NM_001282394.3); short protein forms A1503V, A1540V.
Identifiers: ClinVar variation 5031809 (VCV005031809.1).